The following is an entry in ClinVar:

NM_199420.4(POLQ):c.4084A>G (p.Asn1362Asp)

Gene: POLQ (DNA polymerase theta; minus strand). Cytogenetic location: 3q13.33.
Variant type: single nucleotide variant.
Coding change: c.4084A>G on transcript NM_199420.4 (MANE Select); coding-DNA position 4084, A replaced by G.
Protein change: p.Asn1362Asp; replaces asparagine 1362 with aspartic acid.
Molecular consequence: missense variant.
Genome position (GRCh38, 1-based): chr3:121,488,847, T>C on the plus strand (A>G on the coding strand, the complement: POLQ is on the minus strand). VCF-style: chr3-121488847-T-C. GRCh37 (hg19) VCF-style: chr3-121207694-T-C.
Other names: short protein forms N1362D.
Identifiers: ClinVar variation 3422348 (VCV003422348.1).

ClinVar aggregate classification (germline): Uncertain significance (1 of 4 stars; one submission).

gnomAD v4.1: 3 of 1,613,828 alleles (0.00019%); highest among the groups gnomAD compares: African/African-American, 0.0027%; no homozygotes.

Submission:

Ambry Genetics
Classification: Uncertain significance. Last evaluated: 2024-09-30. Review status: criteria provided, single submitter. Criteria: Ambry Variant Classification Scheme 2023. Collection method: clinical testing. Allele origin: germline.
Comment: The p.N1362D variant (also known as c.4084A>G), located in coding exon 16 of the POLQ gene, results from an A to G substitution at nucleotide position 4084. The asparagine at codon 1362 is replaced by aspartic acid, an amino acid with highly similar properties. This amino acid position is conserved. In addition, this alteration is predicted to be tolerated by in silico analysis. Based on the available evidence, the clinical significance of this variant remains unclear.